The following is an entry in ClinVar:

ClinVar aggregate classification (germline): Uncertain significance (1 of 4 stars; one submission).

Conditions:
Landau-Kleffner syndrome (FESD). Also called: EPILEPSY, FOCAL, WITH SPEECH DISORDER AND WITH OR WITHOUT MENTAL RETARDATION; APHASIA, ACQUIRED, WITH EPILEPSY. Identifiers: Orphanet 1945, Orphanet 725, Orphanet 98818, MedGen C0282512, MONDO:0009509, OMIM 245570.

Submission:

Labcorp Genetics (formerly Invitae), Labcorp
Classification: Uncertain significance for Landau-Kleffner syndrome. Last evaluated: 2025-01-27. Review status: criteria provided, single submitter. Criteria: Invitae Variant Classification Sherloc (09022015). Collection method: clinical testing. Allele origin: germline.
Comment: This sequence change replaces lysine, which is basic and polar, with asparagine, which is neutral and polar, at codon 669 of the GRIN2A protein (p.Lys669Asn). This variant also falls at the last nucleotide of exon 10, which is part of the consensus splice site for this exon. This variant is not present in population databases (gnomAD no frequency). This missense change has been observed in individual(s) with developmental and epileptic encephalopathy (PMID: 23933820). An algorithm developed to predict the effect of missense changes on protein structure and function (PolyPhen-2) suggests that this variant is likely to be disruptive. Experimental studies have shown that this missense change affects GRIN2A function (PMID: 27839871, 35228668). Variants that disrupt the consensus splice site are a relatively common cause of aberrant splicing (PMID: 17576681, 9536098). In summary, the available evidence is currently insufficient to determine the role of this variant in disease. Therefore, it has been classified as a Variant of Uncertain Significance.

Literature cited by the submitters: PubMed 23933820; PubMed 27839871; PubMed 35228668; PubMed 17576681; PubMed 9536098.

NM_001134407.3(GRIN2A):c.2007G>T (p.Lys669Asn)

Gene: GRIN2A (glutamate ionotropic receptor NMDA type subunit 2A; minus strand). Cytogenetic location: 16p13.2.
Variant type: single nucleotide variant.
Coding change: c.2007G>T on transcript NM_001134407.3 (MANE Select); coding-DNA position 2007, G replaced by T.
Protein change: p.Lys669Asn; replaces lysine 669 with asparagine.
Molecular consequence: missense variant.
Genome position (GRCh38, 1-based): chr16:9,829,423, C>A on the plus strand (G>T on the coding strand, the complement: GRIN2A is on the minus strand). VCF-style: chr16-9829423-C-A. GRCh37 (hg19) VCF-style: chr16-9923280-C-A.
Other names: c.2007G>T, p.Lys669Asn (NM_000833.5, NM_001134408.2); short protein forms K669N.
Identifiers: ClinVar variation 3722118 (VCV003722118.2).